The following is an entry in ClinVar:

ClinVar aggregate classification (germline): Uncertain significance. Review status: criteria provided, multiple submitters, no conflicts (2 of 4 stars). 2 submissions from 2 submitters: Uncertain significance (2). Last evaluated 2022-06-15.

Conditions:
Myopathy, lactic acidosis, and sideroblastic anemia 1 (MLASA1). Identifiers: Orphanet 2598, MedGen C4551958, MONDO:0024553, OMIM 600462.

Allele frequency attached by ClinVar (database versions not stated): ExAC 0.00002; gnomAD exomes 0.00002; TOPMed 0.00002.

Submissions (2):

Labcorp Genetics (formerly Invitae), Labcorp
Classification: Uncertain significance. Last evaluated: 2022-06-15. Review status: criteria provided, single submitter. Criteria: Invitae Variant Classification Sherloc (09022015). Collection method: clinical testing. Allele origin: germline.
Comment: This sequence change replaces threonine, which is neutral and polar, with methionine, which is neutral and non-polar, at codon 228 of the PUS1 protein (p.Thr228Met). This variant is present in population databases (rs755448329, gnomAD 0.01%). This variant has not been reported in the literature in individuals affected with PUS1-related conditions. ClinVar contains an entry for this variant (Variation ID: 307703). Algorithms developed to predict the effect of missense changes on protein structure and function are either unavailable or do not agree on the potential impact of this missense change (SIFT: "Tolerated"; PolyPhen-2: "Possibly Damaging"; Align-GVGD: "Class C0"). In summary, the available evidence is currently insufficient to determine the role of this variant in disease. Therefore, it has been classified as a Variant of Uncertain Significance.

Illumina Laboratory Services, Illumina
Classification: Uncertain significance for Myopathy, lactic acidosis, and sideroblastic anemia 1. Last evaluated: 2018-01-13. Review status: criteria provided, single submitter. Criteria: ICSL Variant Classification Criteria 13 December 2019. Collection method: clinical testing. Allele origin: germline.

NM_025215.6(PUS1):c.683C>T (p.Thr228Met)

Gene: PUS1 (pseudouridine synthase 1; plus strand). Cytogenetic location: 12q24.33.
Variant type: single nucleotide variant.
Coding change: c.683C>T on transcript NM_025215.6 (MANE Select); coding-DNA position 683, C replaced by T.
Protein change: p.Thr228Met; replaces threonine 228 with methionine.
Molecular consequence: missense variant.
Genome position (GRCh38, 1-based): chr12:131,941,430, C>T. VCF-style: chr12-131941430-C-T. GRCh37 (hg19) VCF-style: chr12-132425975-C-T.
Other names: c.599C>T, p.Thr200Met (NM_001002019.3, NM_001002020.3); short protein forms T200M, T228M.
Identifiers: ClinVar variation 307703 (VCV000307703.8), dbSNP rs755448329, ClinGen allele CA6884221.